The following is an entry in ClinVar:

ClinVar aggregate classification (germline): Uncertain significance. Review status: criteria provided, multiple submitters, no conflicts (2 of 4 stars). 5 submissions from 5 submitters: Uncertain significance (5). Last evaluated 2026-03-25.

Conditions:
Inborn genetic diseases. Identifiers: MedGen C0950123, MeSH D030342.
Fetal akinesia deformation sequence 1 (FADS1). Also called: Fetal akinesia sequence; Pena-Shokeir syndrome type I. Identifiers: Orphanet 994, MedGen C1276035, MONDO:0100101, OMIM 208150, HP:0001989.
Congenital myasthenic syndrome 9. Also called: Myasthenic syndrome, congenital, 9, associated with acetylcholine receptor deficiency. Identifiers: Orphanet 590, MedGen C4225368, MONDO:0014587, OMIM 616325.

Allele frequency attached by ClinVar (database versions not stated): gnomAD exomes 0.00009 and 0.00005; gnomAD 0.00006; TOPMed 0.00006; ESP Exome Variant Server 0.00008; ExAC 0.00007.
gnomAD v4.1: 81 of 1,613,892 alleles (0.005%); highest among the groups gnomAD compares: Non-Finnish European, 0.0067%; no homozygotes.

Submissions (5):

GeneDx
Classification: Uncertain significance. Last evaluated: 2026-03-25. Review status: criteria provided, single submitter. Criteria: GeneDx Variant Classification Process June 2021. Collection method: clinical testing. Allele origin: germline.
Comment: In silico analysis suggests that this missense variant does not alter protein structure/function; Has not been previously published as pathogenic or benign to our knowledge

Labcorp Genetics (formerly Invitae), Labcorp
Classification: Uncertain significance for Congenital myasthenic syndrome 9; Fetal akinesia deformation sequence 1. Last evaluated: 2025-07-15. Review status: criteria provided, single submitter. Criteria: Invitae Variant Classification Sherloc (09022015). Collection method: clinical testing. Allele origin: germline.
Comment: This sequence change replaces glutamine, which is neutral and polar, with proline, which is neutral and non-polar, at codon 310 of the MUSK protein (p.Gln310Pro). This variant is present in population databases (rs201804790, gnomAD 0.02%). This variant has not been reported in the literature in individuals affected with MUSK-related conditions. ClinVar contains an entry for this variant (Variation ID: 199112). Invitae Evidence Modeling of protein sequence and biophysical properties (such as structural, functional, and spatial information, amino acid conservation, physicochemical variation, residue mobility, and thermodynamic stability) indicates that this missense variant is not expected to disrupt MUSK protein function with a negative predictive value of 95%. In summary, the available evidence is currently insufficient to determine the role of this variant in disease. Therefore, it has been classified as a Variant of Uncertain Significance.

Ambry Genetics
Classification: Uncertain significance for Inborn genetic diseases. Last evaluated: 2025-04-03. Review status: criteria provided, single submitter. Criteria: Ambry Variant Classification Scheme 2023. Collection method: clinical testing. Allele origin: germline.

Illumina Laboratory Services, Illumina
Classification: Uncertain significance for Congenital myasthenic syndrome 9. Last evaluated: 2018-01-13. Review status: criteria provided, single submitter. Criteria: ICSL Variant Classification Criteria 13 December 2019. Collection method: clinical testing. Allele origin: germline.

Eurofins Ntd Llc (ga)
Classification: Uncertain significance. Last evaluated: 2014-11-17. Review status: criteria provided, single submitter. Criteria: EGL Classification Definitions 2015. Collection method: clinical testing. Allele origin: germline. Observed: 1 variant allele, 1 heterozygote.

NM_005592.4(MUSK):c.929A>C (p.Gln310Pro)

Gene: MUSK (muscle associated receptor tyrosine kinase; plus strand). Cytogenetic location: 9q31.3.
Variant type: single nucleotide variant.
Coding change: c.929A>C on transcript NM_005592.4 (MANE Select); coding-DNA position 929, A replaced by C.
Protein change: p.Gln310Pro; replaces glutamine 310 with proline.
Molecular consequence: missense variant. On other transcripts: 5 prime UTR variant (1), intron variant (2).
Genome position (GRCh38, 1-based): chr9:110,767,828, A>C. VCF-style: chr9-110767828-A-C. GRCh37 (hg19) VCF-style: chr9-113530108-A-C.
Other names: c.-308A>C (NM_001369398.1); c.950+5620A>C (NM_001166280.2); c.920+5620A>C (NM_001166281.2); short protein forms Q310P.
Identifiers: ClinVar variation 199112 (VCV000199112.20), dbSNP rs201804790, ClinGen allele CA248134.